The following is an entry in ClinVar:

NM_001232.4(CASQ2):c.44C>G (p.Ser15Cys)

Gene: CASQ2 (calsequestrin 2; minus strand). Cytogenetic location: 1p13.1.
Variant type: single nucleotide variant.
Coding change: c.44C>G on transcript NM_001232.4 (MANE Select); coding-DNA position 44, C replaced by G.
Protein change: p.Ser15Cys; replaces serine 15 with cysteine.
Molecular consequence: missense variant.
Genome position (GRCh38, 1-based): chr1:115,768,498, G>C on the plus strand (C>G on the coding strand, the complement: CASQ2 is on the minus strand). VCF-style: chr1-115768498-G-C. GRCh37 (hg19) VCF-style: chr1-116311119-G-C.
Other names: short protein forms S15C.
Identifiers: ClinVar variation 1368939 (VCV001368939.49), dbSNP rs185539994, ClinGen allele CA29625239.
Genomic context (GRCh38, chr1:115,768,498, plus strand): 5'-ACCACTCGGTCCTTCCCATCATATGTGGGGAAATTAAGCCCCTCTTCTGCCCTGCAAGAG[G>C]ACAGAAAATAAATCCCCACAATAAACAAGTGAGTTCTCTTCATTTGGGAAAACTTTTGTT-3'
Protein context (NP_001223.2, residues 5-25): HLFIVGIYFL[Ser15Cys]SCRAEEGLNF

ClinVar aggregate classification (germline): Uncertain significance. Review status: criteria provided, multiple submitters, no conflicts (2 of 4 stars). 4 submissions from 4 submitters: Uncertain significance (4). Last evaluated 2025-10-24.

Conditions:
Cardiovascular phenotype. Identifiers: MedGen CN230736.
Catecholaminergic polymorphic ventricular tachycardia 1. Also called: VENTRICULAR TACHYCARDIA, STRESS-INDUCED POLYMORPHIC 1; VENTRICULAR TACHYCARDIA, CATECHOLAMINERGIC POLYMORPHIC, 1, WITH OR WITHOUT ATRIAL DYSFUNCTION AND/OR DILATED CARDIOMYOPATHY; RYR2-Related Catecholaminergic Polymorphic Ventricular Tachycardia. Identifiers: Orphanet 3286, MedGen C1631597, MONDO:0011484, OMIM 604772.
Catecholaminergic polymorphic ventricular tachycardia 2. Also called: VENTRICULAR TACHYCARDIA, STRESS-INDUCED POLYMORPHIC 2; CASQ2-Related Catecholaminergic Polymorphic Ventricular Tachycardia. Identifiers: Orphanet 3286, MedGen C2677794, MONDO:0012762, OMIM 611938.

Allele frequency attached by ClinVar (database versions not stated): gnomAD exomes 0.00001 and 0.00002; gnomAD 0.00002 and 0.00003; TOPMed 0.00002; 1000 Genomes Project 30x 0.00016; 1000 Genomes Project 0.00020.
gnomAD v4.1: 41 of 1,613,704 alleles (0.0025%); highest among the groups gnomAD compares: Admixed American, 0.0067%; no homozygotes.

Submissions (4):

Ambry Genetics
Classification: Uncertain significance for Cardiovascular phenotype. Last evaluated: 2025-10-24. Review status: criteria provided, single submitter. Criteria: Ambry Variant Classification Scheme 2023. Collection method: clinical testing. Allele origin: germline.

Labcorp Genetics (formerly Invitae), Labcorp
Classification: Uncertain significance for Catecholaminergic polymorphic ventricular tachycardia 1. Last evaluated: 2025-09-14. Review status: criteria provided, single submitter. Criteria: Invitae Variant Classification Sherloc (09022015). Collection method: clinical testing. Allele origin: germline.
Comment: This sequence change replaces serine, which is neutral and polar, with cysteine, which is neutral and slightly polar, at codon 15 of the CASQ2 protein (p.Ser15Cys). This variant is present in population databases (rs185539994, gnomAD 0.009%). This variant has not been reported in the literature in individuals affected with CASQ2-related conditions. ClinVar contains an entry for this variant (Variation ID: 1368939). An algorithm developed to predict the effect of missense changes on protein structure and function (PolyPhen-2) suggests that this variant is likely to be disruptive. In summary, the available evidence is currently insufficient to determine the role of this variant in disease. Therefore, it has been classified as a Variant of Uncertain Significance.

Genome-Nilou Lab
Classification: Uncertain significance for Catecholaminergic polymorphic ventricular tachycardia 2. Last evaluated: 2023-04-11. Review status: criteria provided, single submitter. Criteria: ACMG Guidelines, 2015. Collection method: clinical testing. Allele origin: germline. Affected: no.

Department of Pathology and Laboratory Medicine, Sinai Health System
Classification: Uncertain significance for Catecholaminergic polymorphic ventricular tachycardia 1; Catecholaminergic polymorphic ventricular tachycardia 2. Last evaluated: 2022-07-11. Review status: criteria provided, single submitter. Criteria: ACMG Guidelines, 2015. Collection method: research. Allele origin: germline.